The following is an entry in ClinVar:

ClinVar aggregate classification (germline): Uncertain significance (1 of 4 stars; one submission).

Conditions:
Seizures, benign familial infantile, 3 (BFIS3). Also called: CONVULSIONS, BENIGN FAMILIAL INFANTILE, 3; Familial neonatal seizures. Identifiers: Orphanet 140927, Orphanet 306, MedGen C1843140, MONDO:0011904, OMIM 607745.
Developmental and epileptic encephalopathy, 11 (DEE11). Also called: Early infantile epileptic encephalopathy 11. Identifiers: Orphanet 1934, MedGen C3150987, MONDO:0013388, OMIM 613721.

Allele frequency attached by ClinVar (database versions not stated): gnomAD exomes below 0.00001; TOPMed below 0.00001; gnomAD 0.00001.
gnomAD v4.1: 2 of 1,580,484 alleles (0.00013%); highest among the groups gnomAD compares: Non-Finnish European, 0.00017%; no homozygotes.

Submission:

Labcorp Genetics (formerly Invitae), Labcorp
Classification: Uncertain significance for Seizures, benign familial infantile, 3; Developmental and epileptic encephalopathy, 11. Last evaluated: 2022-10-27. Review status: criteria provided, single submitter. Criteria: Invitae Variant Classification Sherloc (09022015). Collection method: clinical testing. Allele origin: germline.
Comment: In summary, the available evidence is currently insufficient to determine the role of this variant in disease. Therefore, it has been classified as a Variant of Uncertain Significance. This variant has not been reported in the literature in individuals affected with SCN2A-related conditions. Advanced modeling of protein sequence and biophysical properties (such as structural, functional, and spatial information, amino acid conservation, physicochemical variation, residue mobility, and thermodynamic stability) has been performed at Invitae for this missense variant, however the output from this modeling did not meet the statistical confidence thresholds required to predict the impact of this variant on SCN2A protein function. This sequence change replaces isoleucine, which is neutral and non-polar, with valine, which is neutral and non-polar, at codon 1513 of the SCN2A protein (p.Ile1513Val). This variant is not present in population databases (gnomAD no frequency).

NM_001040142.2(SCN2A):c.4537A>G (p.Ile1513Val)

Gene: SCN2A (sodium voltage-gated channel alpha subunit 2; plus strand). Cytogenetic location: 2q24.3.
Variant type: single nucleotide variant.
Coding change: c.4537A>G on transcript NM_001040142.2 (MANE Select); coding-DNA position 4537, A replaced by G.
Protein change: p.Ile1513Val; replaces isoleucine 1513 with valine.
Molecular consequence: missense variant.
Genome position (GRCh38, 1-based): chr2:165,381,183, A>G. VCF-style: chr2-165381183-A-G. GRCh37 (hg19) VCF-style: chr2-166237693-A-G.
Other names: c.4537A>G, p.Ile1513Val (NM_001040143.2, NM_001371246.1, NM_001371247.1 and 1 more transcripts); short protein forms I1513V.
Identifiers: ClinVar variation 2941053 (VCV002941053.3), dbSNP rs1457456482, ClinGen allele CA349034945.